The following is an entry in ClinVar:

NM_006231.4(POLE):c.3141G>A (p.Gly1047=)

Gene: POLE (DNA polymerase epsilon, catalytic subunit; minus strand). Cytogenetic location: 12q24.33.
Variant type: single nucleotide variant.
Coding change: c.3141G>A on transcript NM_006231.4 (MANE Select); coding-DNA position 3141, G replaced by A.
Protein change: p.Gly1047=; no amino-acid change (glycine 1047 retained).
Molecular consequence: synonymous variant.
Genome position (GRCh38, 1-based): chr12:132,659,429, C>T on the plus strand (G>A on the coding strand, the complement: POLE is on the minus strand). VCF-style: chr12-132659429-C-T. GRCh37 (hg19) VCF-style: chr12-133236015-C-T.
Identifiers: ClinVar variation 484485 (VCV000484485.19), dbSNP rs368560398, ClinGen allele CA6893348.

ClinVar aggregate classification (germline): Likely benign. Review status: criteria provided, multiple submitters, no conflicts (2 of 4 stars). 4 submissions from 4 submitters: Likely benign (4). Last evaluated 2026-05-01.

Conditions:
Hereditary cancer-predisposing syndrome. Also called: Hereditary neoplastic syndrome; Tumor predisposition; Neoplastic Syndromes, Hereditary; Hereditary Cancer Syndrome. Identifiers: Orphanet 140162, MedGen C0027672, MeSH D009386, MONDO:0015356.

Allele frequency attached by ClinVar (database versions not stated): TOPMed 0.00001; ESP Exome Variant Server 0.00008; ExAC 0.00001; gnomAD 0.00001; gnomAD exomes 0.00001.
gnomAD v4.1: 13 of 1,614,094 alleles (0.00081%); highest among the groups gnomAD compares: Non-Finnish European, 0.001%; no homozygotes.

Submissions (4):

CeGaT Center for Human Genetics Tuebingen
Classification: Likely benign. Last evaluated: 2026-05-01. Review status: criteria provided, single submitter. Criteria: CeGaT Center For Human Genetics Tuebingen Variant Classification Criteria Version 2. Collection method: clinical testing. Allele origin: germline. Affected: yes. Observed: 1 variant allele.
Comment: POLE: BP4, BP7

Labcorp Genetics (formerly Invitae), Labcorp
Classification: Likely benign. Last evaluated: 2026-02-03. Review status: criteria provided, single submitter. Criteria: Invitae Variant Classification Sherloc (09022015). Collection method: clinical testing. Allele origin: germline.

Blueprint Genetics
Classification: Likely benign. Last evaluated: 2024-08-22. Review status: criteria provided, single submitter. Criteria: ACMG Guidelines, 2015. Collection method: clinical testing. Allele origin: germline.

Ambry Genetics
Classification: Likely benign for Hereditary cancer-predisposing syndrome. Last evaluated: 2016-08-11. Review status: criteria provided, single submitter. Criteria: Ambry Variant Classification Scheme 2023. Collection method: clinical testing. Allele origin: germline.